The following is an entry in ClinVar:

ClinVar aggregate classification (germline): Uncertain significance (1 of 4 stars; one submission).

Conditions:
Inborn genetic diseases. Identifiers: MedGen C0950123, MeSH D030342.

Submission:

Ambry Genetics
Classification: Uncertain significance for Inborn genetic diseases. Last evaluated: 2024-11-03. Review status: criteria provided, single submitter. Criteria: Ambry Variant Classification Scheme 2023. Collection method: clinical testing. Allele origin: germline.
Comment: The p.E982G variant (also known as c.2945A>G), located in coding exon 23 of the LRRK2 gene, results from an A to G substitution at nucleotide position 2945. The glutamic acid at codon 982 is replaced by glycine, an amino acid with similar properties. This amino acid position is conserved. In addition, the in silico prediction for this alteration is inconclusive. Based on the available evidence, the clinical significance of this variant remains unclear.

NM_198578.4(LRRK2):c.2945A>G (p.Glu982Gly)

Gene: LRRK2 (leucine rich repeat kinase 2; plus strand). Cytogenetic location: 12q12.
Variant type: single nucleotide variant.
Coding change: c.2945A>G on transcript NM_198578.4 (MANE Select); coding-DNA position 2945, A replaced by G.
Protein change: p.Glu982Gly; replaces glutamic acid 982 with glycine.
Molecular consequence: missense variant.
Genome position (GRCh38, 1-based): chr12:40,295,493, A>G. VCF-style: chr12-40295493-A-G. GRCh37 (hg19) VCF-style: chr12-40689295-A-G.
Other names: short protein forms E982G.
Identifiers: ClinVar variation 3540768 (VCV003540768.1).